The following is an entry in ClinVar:

ClinVar aggregate classification (germline): Likely benign (1 of 4 stars; one submission).

gnomAD v4.1: 12 of 1,613,770 alleles (0.00074%); highest among the groups gnomAD compares: Admixed American, 0.02%; no homozygotes.

Submission:

CeGaT Center for Human Genetics Tuebingen
Classification: Likely benign. Last evaluated: 2026-06-01. Review status: criteria provided, single submitter. Criteria: CeGaT Center For Human Genetics Tuebingen Variant Classification Criteria Version 2. Collection method: clinical testing. Allele origin: germline. Affected: yes. Observed: 1 variant allele.
Comment: HERC2: BP4, BP7

NM_004667.6(HERC2):c.9033G>A (p.Gly3011=)

Gene: HERC2 (HECT and RLD domain containing E3 ubiquitin protein ligase 2; minus strand). Cytogenetic location: 15q13.1.
Variant type: single nucleotide variant.
Coding change: c.9033G>A on transcript NM_004667.6 (MANE Select); coding-DNA position 9033, G replaced by A.
Protein change: p.Gly3011=; no amino-acid change (glycine 3011 retained).
Molecular consequence: synonymous variant.
Genome position (GRCh38, 1-based): chr15:28,179,017, C>T on the plus strand (G>A on the coding strand, the complement: HERC2 is on the minus strand). VCF-style: chr15-28179017-C-T. GRCh37 (hg19) VCF-style: chr15-28424163-C-T.
Identifiers: ClinVar variation 4875306 (VCV004875306.2).